The following is an entry in ClinVar:

ClinVar aggregate classification (germline): Pathogenic. Review status: criteria provided, multiple submitters, no conflicts (2 of 4 stars). 19 submissions from 17 submitters: Pathogenic (16). 3 of the submissions do not count toward it. Last evaluated 2026-03-09.

Conditions:
Usher syndrome. Also called: Usher Syndromes; Usher's syndrome. Identifiers: Orphanet 886, MedGen CN469326, MeSH D052245, MONDO:0019501. Disease mechanism: loss of function.
USH2A-related disorder. Also called: USH2A-related disorders; USH2A-related condition. Identifiers: MedGen CN239332.
Retinitis pigmentosa 39 (RP39). Identifiers: Orphanet 791, MedGen C3151138, MONDO:0013436, OMIM 613809.
Usher syndrome type 2A. Also called: USHER SYNDROME, TYPE IIA; RETINAL DISEASE IN USHER SYNDROME TYPE IIA, MODIFIER OF. Identifiers: Orphanet 231178, Orphanet 886, MedGen C1848634, MONDO:0010169, OMIM 276901.

Submissions (19):

PreventionGenetics, part of Exact Sciences
Classification: Pathogenic for USH2A-related condition. Last evaluated: 2026-03-09. Review status: criteria provided, single submitter. Criteria: ACMG Guidelines, 2015. Collection method: clinical testing. Allele origin: germline.
Comment: The USH2A c.3187_3188delCA variant is predicted to result in a frameshift and premature protein termination (p.Gln1063Serfs*15). This variant has been reported in individuals with Usher syndrome or non-syndromic retinitis pigmentosa (referred to as c.3149_50delCA in Seyedahmadi et al. 2004. PubMed ID: 15325563; Table S1, Lin et al. 2024. PubMed ID: 38219857; Zhao et al. 2014. PubMed ID: 25472526). This variant is reported in 0.011% of alleles in individuals of African descent in gnomAD. Frameshift variants in USH2A are expected to be pathogenic. This variant is interpreted as pathogenic.

Labcorp Genetics (formerly Invitae), Labcorp
Classification: Pathogenic. Last evaluated: 2026-01-25. Review status: criteria provided, single submitter. Criteria: Invitae Variant Classification Sherloc (09022015). Collection method: clinical testing. Allele origin: germline.
Comment: This sequence change creates a premature translational stop signal (p.Gln1063Serfs*15) in the USH2A gene. It is expected to result in an absent or disrupted protein product. Loss-of-function variants in USH2A are known to be pathogenic (PMID: 10729113, 10909849, 20507924, 25649381). This variant is present in population databases (no rsID available, gnomAD 0.01%). This premature translational stop signal has been observed in individual(s) with retinitis pigemntosa and/or Usher syndrome type 2 (PMID: 23924366, 25472526). ClinVar contains an entry for this variant (Variation ID: 265288). For these reasons, this variant has been classified as Pathogenic.

Natera, Inc.
Classification: Pathogenic for Usher syndrome type 2A. Last evaluated: 2025-12-16. Review status: criteria provided, single submitter. Criteria: Natera Variant Classification Schema (03/2026). Collection method: clinical testing. Allele origin: germline.
Comment: The c.3187_3188delCA variant in USH2A is a frameshift variant predicted to shift the reading frame beginning at codon 1063 and leads to a stop codon 15 codons downstream. This variant is expected to result in nonsense mediated decay, truncation, or a dysfunctional protein product. This variant is rare in the general population with a frequency below the threshold expected for the associated phenotype(s). This variant has been observed in one or more individuals affected with the associated recessive disease, as either homozygous or compound heterozygous with a second variant (PMID: 27624628). Given the available evidence, this variant is classified as Pathogenic.

GeneDx
Classification: Pathogenic. Last evaluated: 2025-11-23. Review status: criteria provided, single submitter. Criteria: GeneDx Variant Classification Process June 2021. Collection method: clinical testing. Allele origin: germline. Affected: yes.
Comment: Frameshift variant predicted to result in protein truncation or nonsense mediated decay in a gene for which loss of function is a known mechanism of disease; Not observed at significant frequency in large population cohorts (gnomAD); This variant is associated with the following publications: (PMID: 25472526, 15325563, 27624628, 36785559, 34758253, 35266249, 34906470, 32037395, 23924366, 31964843, 38219857, 10909849, 19881469, 10729113, 25649381, 38767670, 37337429, 20507924, 22135276, 34203967, 18641288, 36646238)

3billion
Classification: Pathogenic for Retinitis pigmentosa 39. Last evaluated: 2025-03-18. Review status: criteria provided, single submitter. Criteria: ACMG Guidelines, 2015. Collection method: clinical testing. Allele origin: germline. Affected: yes.
Comment: The variant is observed at an extremely low frequency in the gnomAD v4.1.0 dataset (total allele frequency: 0.002%). Predicted Consequence/Location: Frameshift: predicted to result in a loss or disruption of normal protein function through nonsense-mediated decay (NMD) or protein truncation. Multiple pathogenic variants are reported downstream of the variant. The variant has been reported at least twice as pathogenic with clinical assertions and evidence for the classification (ClinVar ID: VCV000265288 / PMID: 15325563). Therefore, this variant is classified as Pathogenic according to the recommendation of ACMG/AMP guideline.

Blueprint Genetics
Classification: Pathogenic for USH2A-related disorders. Last evaluated: 2024-06-03. Review status: criteria provided, single submitter. Criteria: ACMG Guidelines, 2015. Collection method: clinical testing. Allele origin: germline. Affected: yes. Observed: 5 variant alleles.

Fulgent Genetics
Classification: Pathogenic for Usher syndrome type 2A; Retinitis pigmentosa 39. Last evaluated: 2024-04-16. Review status: criteria provided, single submitter. Criteria: ACMG Guidelines, 2015. Collection method: clinical testing. Allele origin: germline.

Baylor Genetics
Classification: Pathogenic for Retinitis pigmentosa 39. Last evaluated: 2023-12-01. Review status: criteria provided, single submitter. Criteria: ACMG Guidelines, 2015. Collection method: clinical testing. Allele origin: unknown.

Genome-Nilou Lab
Classification: Pathogenic for Retinitis pigmentosa 39. Last evaluated: 2023-11-04. Review status: criteria provided, single submitter. Criteria: ACMG Guidelines, 2015. Collection method: clinical testing. Allele origin: germline. Affected: no.

Genome-Nilou Lab
Classification: Pathogenic for Usher syndrome type 2A. Last evaluated: 2023-11-04. Review status: criteria provided, single submitter. Criteria: ACMG Guidelines, 2015. Collection method: clinical testing. Allele origin: germline. Affected: no.

Mayo Clinic Laboratories, Mayo Clinic
Classification: Pathogenic. Last evaluated: 2022-08-31. Review status: criteria provided, single submitter. Criteria: ACMG Guidelines, 2015. Collection method: clinical testing. Allele origin: germline. Observed: 1 variant allele.
Comment: PM2, PM3_strong, PVS1

Ocular Genomics Institute, Massachusetts Eye and Ear
Classification: Pathogenic for Retinitis pigmentosa 39. Last evaluated: 2021-04-08. Review status: criteria provided, single submitter. Criteria: ACMG Guidelines, 2015. Collection method: research. Allele origin: germline. Affected: yes.
Comment: Through a review of available evidence we were able to apply the following criteria: PVS1, PM2, PP3. Based on this evidence we have classified this variant as Pathogenic.

Greenwood Genetic Center Diagnostic Laboratories, Greenwood Genetic Center
Classification: Pathogenic. Last evaluated: 2020-10-07. Review status: criteria provided, single submitter. Criteria: ACMG Guidelines, 2015. Collection method: clinical testing. Allele origin: germline. Affected: yes.

Knight Diagnostic Laboratories, Oregon Health and Sciences University
Classification: Pathogenic. Last evaluated: 2018-12-19. Review status: criteria provided, single submitter. Criteria: ACMG Guidelines, 2015. Collection method: clinical testing. Allele origin: germline. Observed: 1 variant allele.

Laboratory for Molecular Medicine, Mass General Brigham Personalized Medicine
Classification: Pathogenic for Usher syndrome. Last evaluated: 2018-03-07. Review status: criteria provided, single submitter. Criteria: LMM Criteria. Collection method: clinical testing. Allele origin: germline. Inheritance: Autosomal recessive inheritance.
Comment: The p.Gln1036fs variant in USH2A has been reported in >5 individuals with Usher syndrome or retinitis pigmentosa (RP), all of whom were homozygous or compound heterozygous (Sandberg 2008, Le Quesne Stabej 2012, Steele-Stallard 2013, Zhao 2015, Carrigan 2016, LMM data). It has also been identified in 1/8732 African chromosomes by the Genome Aggregation Database (gnomAD). Although this variant has been seen in the general population, its frequency is low enough to be consistent with a recessive carrier frequency. This variant is predicted to cause a frameshift, which alters the protein's amino acid sequence beginning at position 1063 and leads to a premature termination codon 15 amino acids downstream. This alteration is then predicted to lead to a truncated or absent protein. Loss of function of the USH2A gene is an established disease mechanism in autosomal recessive Usher syndrome. In summary, this variant meets criteria to be classified as pathogenic for Usher syndrome in an autosomal recessive manner. ACMG/AMP Criteria applied: PVS1; PMS3_VeryStrong.

Eurofins Ntd Llc (ga)
Classification: Pathogenic. Last evaluated: 2016-04-01. Review status: criteria provided, single submitter. Criteria: EGL Classification Definitions 2015. Collection method: clinical testing. Allele origin: germline. Observed: 1 variant allele, 1 heterozygote.

Counsyl
Classification: Pathogenic for Usher syndrome type 2A. Last evaluated: 2018-05-18. Review status: no assertion criteria provided. Collection method: clinical testing. Allele origin: unknown. Not counted in ClinVar's aggregate classification.

Counsyl
Classification: Pathogenic for Retinitis pigmentosa 39. Last evaluated: 2018-05-18. Review status: no assertion criteria provided. Collection method: clinical testing. Allele origin: unknown. Not counted in ClinVar's aggregate classification.

Genomics England Pilot Project, Genomics England
Classification: Pathogenic for Retinitis pigmentosa 39. Review status: no assertion criteria provided. Criteria: ACGS Guidelines, 2016. Collection method: clinical testing. Allele origin: germline. Affected: yes. Not counted in ClinVar's aggregate classification.

Literature cited by the submitters: PubMed 10729113 (cited by Labcorp Genetics (formerly Invitae), Labcorp); PubMed 10909849 (cited by Labcorp Genetics (formerly Invitae), Labcorp); PubMed 20507924 (cited by Labcorp Genetics (formerly Invitae), Labcorp); PubMed 25649381 (cited by Labcorp Genetics (formerly Invitae), Labcorp); PubMed 23924366 (cited by 5 submitters); PubMed 25472526 (cited by 6 submitters); PubMed 27624628 (cited by 3 submitters); PubMed 15325563 (cited by 6 submitters); PubMed 18641288 (cited by 3 submitters); PubMed 22135276 (cited by 4 submitters); PubMed 32037395 (cited by Mayo Clinic Laboratories, Mayo Clinic); PubMed 34203967 (cited by Mayo Clinic Laboratories, Mayo Clinic); PubMed 19881469 (cited by Laboratory for Molecular Medicine, Mass General Brigham Personalized Medicine and Counsyl).

NM_206933.4(USH2A):c.3187_3188del (p.Gln1063fs)

Genes: USH2A (usherin; minus strand), USH2A-AS1 (USH2A antisense RNA 1; plus strand). Cytogenetic location: 1q41.
Variant type: Deletion.
Coding change: c.3187_3188del on transcript NM_206933.4 (MANE Select); coding-DNA positions 3187 to 3188, 2 bases deleted (CA; older notation c.3187_3188delCA).
Protein change: p.Gln1063fs; shifts the reading frame from glutamine 1063.
Molecular consequence: frameshift variant.
Genome position (GRCh38, 1-based): chr1:216,207,401-216,207,402, TG deleted on the plus strand (CA on the coding strand, the reverse complement: USH2A is on the minus strand); deleting any 2 consecutive bases within chr1:216,207,401-216,207,403 gives the same sequence; the c. name uses the placement nearest the transcript's 3' end. VCF-style (leftmost placement, unchanged base first): chr1-216207400-TTG-T. GRCh37 (hg19) VCF-style: chr1-216380742-TTG-T.
Other names: p.Gln1063Serfs*15; c.3187_3188del, p.Gln1063fs (NM_007123.6); c.3187_3188del (NM_206933.2); c.3187_3188delCA (NM_206933.3); short protein forms Q1063fs.
Identifiers: ClinVar variation 265288 (VCV000265288.39), dbSNP rs886039450, ClinGen allele CA10588281.